The following is an entry in ClinVar:

ClinVar aggregate classification (germline): Uncertain significance (1 of 4 stars; one submission).

Allele frequency attached by ClinVar (database versions not stated): TOPMed below 0.00001; ExAC 0.00001; ESP Exome Variant Server 0.00014.
gnomAD v4.1: 12 of 1,613,644 alleles (0.00074%); highest among the groups gnomAD compares: Non-Finnish European, 0.001%; no homozygotes.

Submission:

CeGaT Center for Human Genetics Tuebingen
Classification: Uncertain significance. Last evaluated: 2024-02-01. Review status: criteria provided, single submitter. Criteria: CeGaT Center For Human Genetics Tuebingen Variant Classification Criteria Version 2. Collection method: clinical testing. Allele origin: germline. Affected: yes. Observed: 1 variant allele.
Comment: TNXB: PM2, BP4

NM_001365276.2(TNXB):c.9328G>C (p.Glu3110Gln)

Gene: TNXB (tenascin XB; minus strand). Cytogenetic location: 6p21.33.
Variant type: single nucleotide variant.
Coding change: c.9328G>C on transcript NM_001365276.2 (MANE Select); coding-DNA position 9328, G replaced by C.
Protein change: p.Glu3110Gln; replaces glutamic acid 3110 with glutamine.
Molecular consequence: missense variant.
Genome position (GRCh38, 1-based): chr6:32,050,109, C>G on the plus strand (G>C on the coding strand, the complement: TNXB is on the minus strand). VCF-style: chr6-32050109-C-G. GRCh37 (hg19) VCF-style: chr6-32017886-C-G.
Other names: c.9322G>C, p.Glu3108Gln (NM_019105.8); short protein forms E3108Q, E3110Q.
Identifiers: ClinVar variation 3026273 (VCV003026273.22), dbSNP rs367800507, ClinGen allele CA3733560.